The following is an entry in ClinVar:

NM_001040142.2(SCN2A):c.136G>T (p.Asp46Tyr)

Gene: SCN2A (sodium voltage-gated channel alpha subunit 2; plus strand). Cytogenetic location: 2q24.3.
Variant type: single nucleotide variant.
Coding change: c.136G>T on transcript NM_001040142.2 (MANE Select); coding-DNA position 136, G replaced by T.
Protein change: p.Asp46Tyr; replaces aspartic acid 46 with tyrosine.
Molecular consequence: missense variant.
Genome position (GRCh38, 1-based): chr2:165,295,959, G>T. VCF-style: chr2-165295959-G-T. GRCh37 (hg19) VCF-style: chr2-166152469-G-T.
Other names: c.136G>T, p.Asp46Tyr (NM_001040143.2, NM_001371246.1, NM_001371247.1 and 1 more transcripts); short protein forms D46Y.
Identifiers: ClinVar variation 3368750 (VCV003368750.1).

ClinVar aggregate classification (germline): Uncertain significance (1 of 4 stars; one submission).

Submission:

GeneDx
Classification: Uncertain significance. Last evaluated: 2024-02-08. Review status: criteria provided, single submitter. Criteria: GeneDx Variant Classification Process June 2021. Collection method: clinical testing. Allele origin: germline. Affected: yes.
Comment: Not observed at significant frequency in large population cohorts (gnomAD); In silico analysis supports that this missense variant has a deleterious effect on protein structure/function; Has not been previously published as pathogenic or benign to our knowledge; This substitution is predicted to be within the N-terminal cytoplasmic domain.